The following is an entry in ClinVar:

NM_000487.6(ARSA):c.854+1G>T

Gene: ARSA (arylsulfatase A; minus strand). Cytogenetic location: 22q13.33.
Variant type: single nucleotide variant.
Coding change: c.854+1G>T on transcript NM_000487.6 (MANE Select); the canonical splice donor site of the intron after coding-DNA position 854, G replaced by T.
Molecular consequence: splice donor variant.
Genome position (GRCh38, 1-based): chr22:50,626,590, C>A on the plus strand (G>T on the coding strand, the complement: ARSA is on the minus strand). VCF-style: chr22-50626590-C-A. GRCh37 (hg19) VCF-style: chr22-51065018-C-A.
Other names: c.596+1G>T (NM_001362782.2, NM_001085428.3); c.854+1G>T (NM_001085427.3, NM_001085426.3, NM_001085425.3).
Identifiers: ClinVar variation 280764 (VCV000280764.11), dbSNP rs886041911, ClinGen allele CA10603518.
Genomic context (GRCh38, chr22:50,626,590, plus strand): 5'-AAGGCCTCCAGGGCCCTGGCCCGTGACAGGGCCGGAGCACCCAGCTGCCCTGCTGGCATA[C>A]CCATTGTCTGCAGTGAAGATGACCAGCGTCTCTTCAAGCAGCCCCAGGTCCCCTATGGCT-3'

ClinVar aggregate classification (germline): Pathogenic. Review status: criteria provided, multiple submitters, no conflicts (2 of 4 stars). 2 submissions from 2 submitters: Pathogenic (2). Last evaluated 2021-06-22.

Conditions:
Metachromatic leukodystrophy (MLD). Also called: ARSA DEFICIENCY; CEREBROSIDE SULFATASE DEFICIENCY; Cerebral sclerosis diffuse metachromatic form; Arylsulfatase A Deficiency; METACHROMATIC LEUKOENCEPHALOPATHY; SULFATIDE LIPIDOSIS. Identifiers: Orphanet 512, MedGen C0023522, MONDO:0018868, OMIM 250100.

Submissions (2):

GeneDx
Classification: Pathogenic. Last evaluated: 2021-06-22. Review status: criteria provided, single submitter. Criteria: GeneDx Variant Classification Process June 2021. Collection method: clinical testing. Allele origin: germline. Affected: yes.
Comment: Canonical splice site variant predicted to result in a null allele in a gene for which loss-of-function is a known mechanism of disease; Not observed at significant frequency in large population cohorts (Lek et al., 2016); Has not been previously published as pathogenic or benign to our knowledge; This variant is associated with the following publications: (PMID: 27535533)

Labcorp Genetics (formerly Invitae), Labcorp
Classification: Pathogenic for Metachromatic leukodystrophy. Last evaluated: 2020-12-11. Review status: criteria provided, single submitter. Criteria: Invitae Variant Classification Sherloc (09022015). Collection method: clinical testing. Allele origin: germline.
Comment: This sequence change affects a donor splice site in intron 4 of the ARSA gene. RNA analysis indicates that this variant induces altered splicing and may result in an absent or disrupted protein product. This variant is not present in population databases (ExAC no frequency). Disruption of this splice site has been observed in individual(s) with metachromatic leukodystrophy (PMID: 7833949). ClinVar contains an entry for this variant (Variation ID: 280764). Studies have shown that disruption of this splice site is associated with exon skipping, which introduces a premature termination codon (PMID: 7833949). The resulting mRNA is expected to undergo nonsense-mediated decay. For these reasons, this variant has been classified as Pathogenic.

Literature cited by the submitters: PubMed 7833949 (cited by Labcorp Genetics (formerly Invitae), Labcorp).